The following is an entry in ClinVar:

NM_001365276.2(TNXB):c.7529C>T (p.Thr2510Ile)

Gene: TNXB (tenascin XB; minus strand). Cytogenetic location: 6p21.33.
Variant type: single nucleotide variant.
Coding change: c.7529C>T on transcript NM_001365276.2 (MANE Select); coding-DNA position 7529, C replaced by T.
Protein change: p.Thr2510Ile; replaces threonine 2510 with isoleucine.
Molecular consequence: missense variant.
Genome position (GRCh38, 1-based): chr6:32,058,354, G>A on the plus strand (C>T on the coding strand, the complement: TNXB is on the minus strand). VCF-style: chr6-32058354-G-A. GRCh37 (hg19) VCF-style: chr6-32026131-G-A.
Other names: c.7529C>T, p.Thr2510Ile (NM_019105.8); short protein forms T2510I.
Identifiers: ClinVar variation 1759356 (VCV001759356.3), dbSNP rs1401914705, ClinGen allele CA363551695.
Genomic context (GRCh38, chr6:32,058,354, plus strand): 5'-ACTGTCAGCTCCCCCAGGAGAGGCTCCTCGGGGGGCCCTGGGGCCTCTGTGCCTGGTTCT[G>A]TAGGGCTGGGGGTCTCGTCCACATCCTCTTGTGGGGCTGAAAGGTAATATAGGGGGATAC-3'
Protein context (NP_001352205.1, residues 2500-2520): QEDVDETPSP[Thr2510Ile]EPGTEAPGPP

ClinVar aggregate classification (germline): Uncertain significance (1 of 4 stars; one submission).

Conditions:
Cardiovascular phenotype. Identifiers: MedGen CN230736.

Allele frequency attached by ClinVar (database versions not stated): gnomAD exomes below 0.00001; gnomAD 0.00003; TOPMed 0.00003.
gnomAD v4.1: 8 of 1,610,742 alleles (0.0005%); highest among the groups gnomAD compares: African/African-American, 0.0081%; no homozygotes.

Submission:

Ambry Genetics
Classification: Uncertain significance for Cardiovascular phenotype. Last evaluated: 2024-11-18. Review status: criteria provided, single submitter. Criteria: Ambry Variant Classification Scheme 2023. Collection method: clinical testing. Allele origin: germline.
Comment: The p.T2510I variant (also known as c.7529C>T), located in coding exon 21 of the TNXB gene, results from a C to T substitution at nucleotide position 7529. The threonine at codon 2510 is replaced by isoleucine, an amino acid with similar properties. This amino acid position is conserved. In addition, this alteration is predicted to be tolerated by in silico analysis. Since supporting evidence is limited at this time, the clinical significance of this alteration remains unclear.